The following is an entry in ClinVar:

ClinVar aggregate classification (germline): Uncertain significance. Review status: criteria provided, multiple submitters, no conflicts (2 of 4 stars). 2 submissions from 2 submitters: Uncertain significance (2). Last evaluated 2025-05-27.

gnomAD v4.1: 4 of 1,589,348 alleles (0.00025%); highest among the groups gnomAD compares: Non-Finnish European, 0.00034%; no homozygotes.

Submissions (2):

Ambry Genetics
Classification: Uncertain significance. Last evaluated: 2025-05-27. Review status: criteria provided, single submitter. Criteria: Ambry Variant Classification Scheme 2023. Collection method: clinical testing. Allele origin: germline.
Comment: The p.A265T variant (also known as c.793G>A), located in coding exon 8 of the FAM175A gene, results from a G to A substitution at nucleotide position 793. The alanine at codon 265 is replaced by threonine, an amino acid with similar properties. This amino acid position is conserved. In addition, this alteration is predicted to be tolerated by in silico analysis. Since supporting evidence is limited at this time, the clinical significance of this alteration remains unclear.

Women's Health and Genetics/Laboratory Corporation of America, LabCorp
Classification: Uncertain significance. Last evaluated: 2022-10-27. Review status: criteria provided, single submitter. Criteria: LabCorp Variant Classification Summary - May 2015. Collection method: clinical testing. Allele origin: germline.

NM_139076.3(ABRAXAS1):c.793G>A (p.Ala265Thr)

Gene: ABRAXAS1 (abraxas 1, BRCA1 A complex subunit; minus strand). Cytogenetic location: 4q21.23.
Variant type: single nucleotide variant.
Coding change: c.793G>A on transcript NM_139076.3 (MANE Select); coding-DNA position 793, G replaced by A.
Protein change: p.Ala265Thr; replaces alanine 265 with threonine.
Molecular consequence: missense variant.
Genome position (GRCh38, 1-based): chr4:83,463,497, C>T on the plus strand (G>A on the coding strand, the complement: ABRAXAS1 is on the minus strand). VCF-style: chr4-83463497-C-T. GRCh37 (hg19) VCF-style: chr4-84384650-C-T.
Other names: c.466G>A, p.Ala156Thr (NM_001345962.2); short protein forms A156T, A265T.
Identifiers: ClinVar variation 1723396 (VCV001723396.4), dbSNP rs2110033955, ClinGen allele CA357256768.
Genomic context (GRCh38, chr4:83,463,497, plus strand): 5'-ATAAATAAATAAATAAAAATTTTTAGCACAGAAAGTAGAGATGTGTTGTTTACTTACTTG[C>T]TGCCTGAATCTGTGCTCCTCTCCTTTTCTCAATTTCTCGTTTTAATCTGTTTACATCCTT-3'
Protein context (NP_620775.2, residues 255-275): EKRRGAQIQA[Ala265Thr]REKNIQKDPQ